The following is an entry in ClinVar:

NM_014363.6(SACS):c.11467C>A (p.Pro3823Thr)

Gene: SACS (sacsin molecular chaperone; minus strand). Cytogenetic location: 13q12.12.
Variant type: single nucleotide variant.
Coding change: c.11467C>A on transcript NM_014363.6 (MANE Select); coding-DNA position 11467, C replaced by A.
Protein change: p.Pro3823Thr; replaces proline 3823 with threonine.
Molecular consequence: missense variant.
Genome position (GRCh38, 1-based): chr13:23,332,409, G>T on the plus strand (C>A on the coding strand, the complement: SACS is on the minus strand). VCF-style: chr13-23332409-G-T. GRCh37 (hg19) VCF-style: chr13-23906548-G-T.
Other names: c.11026C>A, p.Pro3676Thr (NM_001278055.2); short protein forms P3676T, P3823T.
Identifiers: ClinVar variation 1517643 (VCV001517643.8), dbSNP rs1883537654, ClinGen allele CA387509922.

ClinVar aggregate classification (germline): Likely pathogenic (1 of 4 stars; one submission).

Conditions:
Spastic paraplegia. Identifiers: MedGen C0037772, HP:0001258.

Allele frequency attached by ClinVar (database versions not stated): TOPMed below 0.00001.

Submission:

Labcorp Genetics (formerly Invitae), Labcorp
Classification: Likely pathogenic for Spastic paraplegia. Last evaluated: 2022-08-10. Review status: criteria provided, single submitter. Criteria: Invitae Variant Classification Sherloc (09022015). Collection method: clinical testing. Allele origin: germline.
Comment: This sequence change replaces proline, which is neutral and non-polar, with threonine, which is neutral and polar, at codon 3823 of the SACS protein (p.Pro3823Thr). This variant is not present in population databases (gnomAD no frequency). This missense change has been observed in individual(s) with clinical features of spastic ataxia (Invitae). In at least one individual the data is consistent with being in trans (on the opposite chromosome) from a pathogenic variant. ClinVar contains an entry for this variant (Variation ID: 1517643). Advanced modeling of protein sequence and biophysical properties (such as structural, functional, and spatial information, amino acid conservation, physicochemical variation, residue mobility, and thermodynamic stability) performed at Invitae indicates that this missense variant is expected to disrupt SACS protein function. In summary, the currently available evidence indicates that the variant is pathogenic, but additional data are needed to prove that conclusively. Therefore, this variant has been classified as Likely Pathogenic.